The following is an entry in ClinVar:

NM_000465.4(BARD1):c.783A>G (p.Leu261=)

Gene: BARD1 (BRCA1 associated RING domain 1; minus strand). Cytogenetic location: 2q35.
Variant type: single nucleotide variant.
Coding change: c.783A>G on transcript NM_000465.4 (MANE Select); coding-DNA position 783, A replaced by G.
Protein change: p.Leu261=; no amino-acid change (leucine 261 retained).
Molecular consequence: synonymous variant. On other transcripts: non-coding transcript variant (2), intron variant (3).
Genome position (GRCh38, 1-based): chr2:214,781,091, T>C on the plus strand (A>G on the coding strand, the complement: BARD1 is on the minus strand). VCF-style: chr2-214781091-T-C. GRCh37 (hg19) VCF-style: chr2-215645815-T-C.
Other names: p.L261L:CTA>CTG; c.726A>G, p.Leu242= (NM_001282543.2); c.158+28321A>G (NM_001282548.2); c.215+15970A>G (NM_001282545.2); c.364+11206A>G (NM_001282549.2).
Identifiers: ClinVar variation 182026 (VCV000182026.32), dbSNP rs201862973, ClinGen allele CA298429.

ClinVar aggregate classification (germline): Conflicting classifications of pathogenicity. Review status: criteria provided, conflicting classifications (1 of 4 stars). 13 submissions from 13 submitters: Uncertain significance (1); Benign (3); Likely benign (9). Last evaluated 2026-01-18.

Conditions:
Breast and/or ovarian cancer. Identifiers: MedGen CN221562.
Hereditary cancer-predisposing syndrome. Also called: Tumor predisposition; Hereditary Cancer Syndrome; Hereditary neoplastic syndrome; Neoplastic Syndromes, Hereditary. Identifiers: Orphanet 140162, MedGen C0027672, MeSH D009386, MONDO:0015356.
Familial cancer of breast. Also called: hereditary breast carcinoma; Hereditary breast cancer; BREAST CANCER, FAMILIAL. Identifiers: Orphanet 227535, MedGen C0346153, MONDO:0016419, OMIM 114480. Disease mechanism: loss of function.

Allele frequency attached by ClinVar (database versions not stated): ExAC 0.00003; gnomAD 0.00004 and 0.00005; gnomAD exomes 0.00004 and 0.00005; TOPMed 0.00004; 1000 Genomes Project 30x 0.00016; 1000 Genomes Project 0.00020.
gnomAD v4.1: 61 of 1,590,464 alleles (0.0038%); highest among the groups gnomAD compares: East Asian, 0.11%; no homozygotes.

Submissions (14):

Labcorp Genetics (formerly Invitae), Labcorp
Classification: Likely benign for Familial cancer of breast. Last evaluated: 2026-01-18. Review status: criteria provided, single submitter. Criteria: Invitae Variant Classification Sherloc (09022015). Collection method: clinical testing. Allele origin: germline.

Center for Genomic Medicine, Rigshospitalet, Copenhagen University Hospital
Classification: Likely benign. Last evaluated: 2025-03-04. Review status: criteria provided, single submitter. Criteria: ACMG Guidelines, 2015. Collection method: clinical testing. Allele origin: germline.

Myriad Genetics, Inc.
Classification: Benign for Familial cancer of breast. Last evaluated: 2024-07-23. Review status: criteria provided, single submitter. Criteria: Myriad Autosomal Dominant, Autosomal Recessive and X-Linked Classification Criteria (2023). Collection method: clinical testing. Allele origin: unknown.
Comment: This variant is considered benign. This variant is a silent/synonymous amino acid change and it is not expected to impact splicing.

Blueprint Genetics
Classification: Likely benign. Last evaluated: 2023-08-08. Review status: criteria provided, single submitter. Criteria: ACMG Guidelines, 2015. Collection method: clinical testing. Allele origin: germline.

Quest Diagnostics Nichols Institute San Juan Capistrano
Classification: Benign. Last evaluated: 2023-07-13. Review status: criteria provided, single submitter. Criteria: Quest Diagnostics criteria. Collection method: clinical testing. Allele origin: unknown.

Department of Pathology and Laboratory Medicine, Sinai Health System
Classification: Likely benign for Familial cancer of breast. Last evaluated: 2023-04-11. Review status: criteria provided, single submitter. Criteria: ACMG Guidelines, 2015. Collection method: clinical testing. Allele origin: germline. Affected: yes.

CHEO Genetics Diagnostic Laboratory, Children's Hospital of Eastern Ontario
Classification: Likely benign for Breast and/or ovarian cancer. Last evaluated: 2022-07-18. Review status: criteria provided, single submitter. Criteria: ACMG Guidelines, 2015. Collection method: clinical testing. Allele origin: germline.

Sema4
Classification: Likely benign for Hereditary cancer-predisposing syndrome. Last evaluated: 2021-08-10. Review status: criteria provided, single submitter. Criteria: Sema4 Curation Guidelines. Collection method: curation. Allele origin: germline.

Women's Health and Genetics/Laboratory Corporation of America, LabCorp
Classification: Likely benign. Last evaluated: 2019-08-21. Review status: criteria provided, single submitter. Criteria: LabCorp Variant Classification Summary - May 2015. Collection method: clinical testing. Allele origin: germline.

Illumina Laboratory Services, Illumina
Classification: Uncertain significance for Familial cancer of breast. Last evaluated: 2018-01-13. Review status: criteria provided, single submitter. Criteria: ICSL Variant Classification Criteria 13 December 2019. Collection method: clinical testing. Allele origin: germline.

Color Diagnostics, LLC DBA Color Health
Classification: Likely benign for Hereditary cancer-predisposing syndrome. Last evaluated: 2016-08-06. Review status: criteria provided, single submitter. Criteria: ACMG Guidelines, 2015. Collection method: clinical testing. Allele origin: germline.

Ambry Genetics
Classification: Likely benign for Hereditary cancer-predisposing syndrome. Last evaluated: 2016-06-25. Review status: criteria provided, single submitter. Criteria: Ambry Variant Classification Scheme 2023. Collection method: clinical testing. Allele origin: germline.

GeneDx
Classification: Benign. Last evaluated: 2014-06-16. Review status: criteria provided, single submitter. Criteria: GeneDx Variant Classification (06012015). Collection method: clinical testing. Allele origin: germline. Affected: yes.
Comment: This variant is considered likely benign or benign based on one or more of the following criteria: it is a conservative change, it occurs at a poorly conserved position in the protein, it is predicted to be benign by multiple in silico algorithms, and/or has population frequency not consistent with disease.

Dr. Peter K. Rogan Lab, Western University
No classification provided (evidence only). Condition: Hepatocellular carcinoma. Review status: no classification provided. Collection method: in vitro. Allele origin: not applicable. Functional consequence: skipped exon, retained intron. Not counted in ClinVar's aggregate classification.